The following is an entry in ClinVar:

ClinVar aggregate classification (germline): Benign/Likely benign. Review status: criteria provided, multiple submitters, no conflicts (2 of 4 stars). 4 submissions from 4 submitters: Benign (1); Likely benign (3). Last evaluated 2026-05-14.

Conditions:
Hereditary cancer-predisposing syndrome. Also called: Tumor predisposition; Hereditary neoplastic syndrome; Neoplastic Syndromes, Hereditary; Hereditary Cancer Syndrome. Identifiers: Orphanet 140162, MedGen C0027672, MeSH D009386, MONDO:0015356.
Neurofibromatosis, type 1 (NF1). Also called: Neurofibromatosis, type I; NEUROFIBROMATOSIS, TYPE I, SOMATIC; VON RECKLINGHAUSEN DISEASE; Peripheral type neurofibromatosis. Identifiers: Orphanet 636, MedGen C0027831, MONDO:0018975, OMIM 162200. Disease mechanism: loss of function.

Allele frequency attached by ClinVar (database versions not stated): TOPMed 0.00002; gnomAD 0.00003.
gnomAD v4.1: 7 of 1,613,332 alleles (0.00043%); highest among the groups gnomAD compares: Non-Finnish European, 0.00059%; no homozygotes.

Submissions (4):

Myriad Genetics, Inc.
Classification: Benign for Neurofibromatosis, type 1. Last evaluated: 2026-05-14. Review status: criteria provided, single submitter. Criteria: Myriad Autosomal Dominant, Autosomal Recessive and X-Linked Classification Criteria (2023). Collection method: clinical testing. Allele origin: unknown.
Comment: This variant is considered benign. This variant is a silent/synonymous amino acid change and it is not expected to impact splicing.

Labcorp Genetics (formerly Invitae), Labcorp
Classification: Likely benign for Neurofibromatosis, type 1. Last evaluated: 2026-01-06. Review status: criteria provided, single submitter. Criteria: Invitae Variant Classification Sherloc (09022015). Collection method: clinical testing. Allele origin: germline.

Genome-Nilou Lab
Classification: Likely benign for Neurofibromatosis, type 1. Last evaluated: 2022-03-15. Review status: criteria provided, single submitter. Criteria: ACMG Guidelines, 2015. Collection method: clinical testing. Allele origin: germline. Affected: no.

Ambry Genetics
Classification: Likely benign for Hereditary cancer-predisposing syndrome. Last evaluated: 2014-12-05. Review status: criteria provided, single submitter. Criteria: Ambry Autosomal Dominant and X-Linked criteria (10/2015). Collection method: clinical testing. Allele origin: germline. Observed: 1 variant allele.

NM_001042492.3(NF1):c.624G>T (p.Ala208=)

Gene: NF1 (neurofibromin 1; plus strand). Cytogenetic location: 17q11.2.
Variant type: single nucleotide variant.
Coding change: c.624G>T on transcript NM_001042492.3 (MANE Select); coding-DNA position 624, G replaced by T.
Protein change: p.Ala208=; no amino-acid change (alanine 208 retained).
Molecular consequence: synonymous variant.
Genome position (GRCh38, 1-based): chr17:31,181,459, G>T. VCF-style: chr17-31181459-G-T. GRCh37 (hg19) VCF-style: chr17-29508477-G-T.
Other names: c.624G>T, p.Ala208= (NM_000267.4, NM_001128147.3).
Identifiers: ClinVar variation 187312 (VCV000187312.14), dbSNP rs370184932, ClinGen allele CA197321.